The following is an entry in ClinVar:

NM_006231.4(POLE):c.807T>G (p.Pro269=)

Gene: POLE (DNA polymerase epsilon, catalytic subunit; minus strand). Cytogenetic location: 12q24.33.
Variant type: single nucleotide variant.
Coding change: c.807T>G on transcript NM_006231.4 (MANE Select); coding-DNA position 807, T replaced by G.
Protein change: p.Pro269=; no amino-acid change (proline 269 retained).
Molecular consequence: synonymous variant.
Genome position (GRCh38, 1-based): chr12:132,676,648, A>C on the plus strand (T>G on the coding strand, the complement: POLE is on the minus strand). VCF-style: chr12-132676648-A-C. GRCh37 (hg19) VCF-style: chr12-133253234-A-C.
Identifiers: ClinVar variation 3904172 (VCV003904172.1).
Genomic context (GRCh38, chr12:132,676,648, plus strand): 5'-CTCAGCATCAGGAAACTTGAGGGGCAGTTTGGTCGTCTCAATGTCAAATGCCAAAACCAC[A>C]GGGTCCTGTGGGGACAAAATAAGCATAAAGCCAAGCTCTAAACTCCCCATTAGGCCTCCC-3'
Protein context (NP_006222.2, residues 259-279): RRDDLVERPD[Pro269=]VVLAFDIETT

ClinVar aggregate classification (germline): Benign (1 of 4 stars; one submission).

Conditions:
Colorectal cancer, susceptibility to, 12 (CRCS12). Also called: COLORECTAL CANCER, SUSCEPTIBILITY TO, ON CHROMOSOME 12q24. Identifiers: Orphanet 220460, MedGen C3554460, MONDO:0014038, OMIM 615083.

Submission:

Myriad Genetics, Inc.
Classification: Benign for Colorectal cancer, susceptibility to, 12. Last evaluated: 2025-02-07. Review status: criteria provided, single submitter. Criteria: Myriad Autosomal Dominant, Autosomal Recessive and X-Linked Classification Criteria (2023). Collection method: clinical testing. Allele origin: unknown.
Comment: This variant is considered benign. This variant is a silent/synonymous amino acid change and it is not expected to impact splicing.